The following continues an entry in ClinVar:

NM_007294.4(BRCA1):c.2940del (p.Pro981fs)

Gene: BRCA1. ClinVar aggregate classification (germline): Pathogenic. Pathogenic (1).

Submissions 10 to 15 of 15:

ARUP Laboratories, Molecular Genetics and Genomics, ARUP Laboratories
Classification: Pathogenic. Last evaluated: 2018-07-02. Review status: criteria provided, single submitter. Criteria: ARUP Molecular Germline Variant Investigation Process. Collection method: clinical testing. Allele origin: germline. Not counted in ClinVar's aggregate classification.
Comment: The BRCA1 c.2940delA; p.Pro981fs variant (rs80357876), is reported in the literature in an individual with ovarian cancer (Song 2014), and reported as pathogenic by multiple laboratories in ClinVar (Variation ID: 91603). This variant is absent from the general population databases (1000 Genomes Project, Exome Variant Server, and Genome Aggregation Database), indicating it is not a common polymorphism. This variant causes a frameshift by deleting a single nucleotide, so it is predicted to result in a truncated protein or mRNA subject to nonsense-mediated decay. Based on available information, this variant is considered to be pathogenic. REFERENCES Song H et al. The contribution of deleterious germline mutations in BRCA1, BRCA2 and the mismatch repair genes to ovarian cancer in the population. Hum Mol Genet. 2014 Sep 1;23(17):4703-9.

Women's Health and Genetics/Laboratory Corporation of America, LabCorp
Classification: Pathogenic for Hereditary breast ovarian cancer syndrome. Last evaluated: 2016-08-02. Review status: criteria provided, single submitter. Criteria: LabCorp Variant Classification Summary - May 2015. Collection method: clinical testing. Allele origin: germline. Not counted in ClinVar's aggregate classification.
Comment: Variant summary: The BRCA1 c.2940delA (p.Pro981Hisfs) variant results in a premature termination codon, predicted to cause a truncated or absent BRCA1 protein due to nonsense mediated decay, which are commonly known mechanisms for disease. Truncations downstream of this position have been classified as pathogenic by our laboratory (e.g.c.3764dupA/p.Asn1255fs). One in silico tool predicts a damaging outcome for this variant. This variant has been reported in numerous HBOC patients and is absent in 124124 control chromosomes. In addition, multiple clinical diagnostic laboratories/reputable databases classified this variant as pathogenic. Taken together, this variant is classified as pathogenic.

Molecular Genetics Laboratory, University of Michigan
Classification: Pathogenic for Breast-ovarian cancer, familial, susceptibility to, 1. Last evaluated: 2016-04-21. Review status: criteria provided, single submitter. Criteria: ACMG Guidelines, 2015. Collection method: clinical testing. Allele origin: germline. Affected: yes. Not counted in ClinVar's aggregate classification.

Consortium of Investigators of Modifiers of BRCA1/2 (CIMBA), c/o University of Cambridge
Classification: Pathogenic for Breast-ovarian cancer, familial, susceptibility to, 1. Last evaluated: 2015-10-02. Review status: criteria provided, single submitter. Criteria: CIMBA Mutation Classification guidelines May 2016. Collection method: clinical testing. Allele origin: germline. Not counted in ClinVar's aggregate classification.

Sharing Clinical Reports Project (SCRP)
Classification: Pathogenic for Breast-ovarian cancer, familial 1. Last evaluated: 2010-12-21. Review status: no assertion criteria provided. Collection method: clinical testing. Allele origin: germline. Not counted in ClinVar's aggregate classification.

Breast Cancer Information Core (BIC) (BRCA1)
Classification: Pathogenic for Breast-ovarian cancer, familial 1. Last evaluated: 2002-05-29. Review status: no assertion criteria provided. Collection method: clinical testing. Allele origin: germline. Affected: yes. Observed: 6 variant alleles. Not counted in ClinVar's aggregate classification.

Literature cited by the submitters: PubMed 20104584 (cited by Labcorp Genetics (formerly Invitae), Labcorp); PubMed 24728189 (cited by 6 submitters); PubMed 24240112 (cited by 5 submitters); PubMed 29446198 (cited by 4 submitters); PubMed 28152038 (cited by Quest Diagnostics Nichols Institute San Juan Capistrano); PubMed 28888541 (cited by Quest Diagnostics Nichols Institute San Juan Capistrano); PubMed 16267036 (cited by Women's Health and Genetics/Laboratory Corporation of America, LabCorp).